The following is an entry in ClinVar:

ClinVar aggregate classification (germline): Pathogenic (1 of 4 stars; one submission).

Submission:

GeneDx
Classification: Pathogenic. Last evaluated: 2018-12-06. Review status: criteria provided, single submitter. Criteria: GeneDx Variant Classification (06012015). Collection method: clinical testing. Allele origin: germline. Affected: yes.
Comment: The Q290X nonsense variant in the IKBKG gene has been published as a pathogenic variant (Aradhya et al., 2001). This pathogenic variant is predicted to cause loss of normal protein function either through protein truncation or nonsense-mediated mRNA decay.

NM_001099857.5(IKBKG):c.868C>T (p.Gln290Ter)

Gene: IKBKG (inhibitor of nuclear factor kappa B kinase regulatory subunit gamma; plus strand). Cytogenetic location: Xq28.
Variant type: single nucleotide variant.
Coding change: c.868C>T on transcript NM_001099857.5 (MANE Select); coding-DNA position 868, C replaced by T.
Protein change: p.Gln290Ter; replaces glutamine 290 with a stop codon.
Molecular consequence: nonsense. On other transcripts: non-coding transcript variant (1), intron variant (1).
Genome position (GRCh38, 1-based): chrX:154,562,909, C>T. VCF-style: chrX-154562909-C-T. GRCh37 (hg19) VCF-style: chrX-153791124-C-T.
Other names: c.1072C>T, p.Gln358Ter (NM_001099856.6); c.868C>T, p.Gln290Ter (NM_001321396.3, NM_001377312.1, NM_003639.4); c.865C>T, p.Gln289Ter (NM_001321397.3, NM_001377313.1); c.712C>T, p.Gln238Ter (NM_001377314.1); c.499C>T, p.Gln167Ter (NM_001377315.1); c.616-650C>T (NM_001145255.4); short protein forms Q290*, Q289*, Q358*, Q167*, Q238*.
Identifiers: ClinVar variation 488830 (VCV000488830.2), dbSNP rs1156900338, ClinGen allele CA415216683.